The following is an entry in ClinVar:

NM_000051.4(ATM):c.4236+2_4236+3insCT

Gene: ATM (ATM serine/threonine kinase; plus strand). Cytogenetic location: 11q22.3.
Variant type: Insertion.
Coding change: c.4236+2_4236+3insCT on transcript NM_000051.4 (MANE Select); the canonical splice donor site of the intron after coding-DNA position 4236 through 3 bases into the intron after coding-DNA position 4236, CT inserted.
Molecular consequence: splice donor variant.
Genome position: GRCh38 VCF-style: chr11-108289104-G-GTC. GRCh37 (hg19) VCF-style: chr11-108159831-G-GTC.
Other names: c.4236+2_4236+3insCT (NM_001351834.2).
Identifiers: ClinVar variation 644566 (VCV000644566.8), dbSNP rs1185729358, ClinGen allele CA915944413.

ClinVar aggregate classification (germline): Uncertain significance. Review status: criteria provided, multiple submitters, no conflicts (2 of 4 stars). 3 submissions from 3 submitters: Uncertain significance (3). Last evaluated 2025-05-12.

Conditions:
Hereditary cancer-predisposing syndrome. Also called: Neoplastic Syndromes, Hereditary; Hereditary Cancer Syndrome; Hereditary neoplastic syndrome; Tumor predisposition. Identifiers: Orphanet 140162, MedGen C0027672, MeSH D009386, MONDO:0015356.
Ataxia-telangiectasia syndrome (AT). Also called: LOUIS-BAR SYNDROME; Ataxia-telangiectasia, complementation group E; Ataxia-telangiectasia, complementation group D; AT, COMPLEMENTATION GROUP C; Ataxia telangiectasia (A-T); Cerebello-oculocutaneous telangiectasia. Identifiers: Orphanet 100, MedGen C0004135, MONDO:0008840, OMIM 208900.

Submissions (3):

Ambry Genetics
Classification: Uncertain significance for Hereditary cancer-predisposing syndrome. Last evaluated: 2025-05-12. Review status: criteria provided, single submitter. Criteria: Ambry Variant Classification Scheme 2023. Collection method: clinical testing. Allele origin: germline.
Comment: The c.4236+2_4236+3insCT intronic variant, results from an insertion of two nucleotides at nucleotide position 4236 after intron 27 of the ATM gene. This nucleotide region is well conserved in available vertebrate species. In silico splice site analysis predicts that this alteration will weaken the native splice donor site. RNA studies have demonstrated that this alteration results in a splice defect; the clinical impact of this abnormal splicing is unknown at this time (Ambry internal data). Based on the available evidence, the clinical significance of this variant remains unclear.

Labcorp Genetics (formerly Invitae), Labcorp
Classification: Uncertain significance for Ataxia-telangiectasia syndrome. Last evaluated: 2023-09-15. Review status: criteria provided, single submitter. Criteria: Invitae Variant Classification Sherloc (09022015). Collection method: clinical testing. Allele origin: germline.
Comment: In summary, the available evidence is currently insufficient to determine the role of this variant in disease. Therefore, it has been classified as a Variant of Uncertain Significance. Variants that disrupt the consensus splice site are a relatively common cause of aberrant splicing (PMID: 17576681, 9536098). Algorithms developed to predict the effect of sequence changes on RNA splicing suggest that this variant may disrupt the consensus splice site. ClinVar contains an entry for this variant (Variation ID: 644566). This variant has not been reported in the literature in individuals affected with ATM-related conditions. This variant is not present in population databases (gnomAD no frequency). This sequence change falls in intron 28 of the ATM gene. It does not directly change the encoded amino acid sequence of the ATM protein. It affects a nucleotide within the consensus splice site.

Institute for Clinical Genetics, University Hospital TU Dresden, University Hospital TU Dresden
Classification: Uncertain significance. Last evaluated: 2021-12-08. Review status: criteria provided, single submitter. Criteria: ACMG Guidelines, 2015. Collection method: clinical testing. Allele origin: germline.
Comment: PVS1, PM2_SUP

Literature cited by the submitters: PubMed 17576681 (cited by Labcorp Genetics (formerly Invitae), Labcorp); PubMed 9536098 (cited by Labcorp Genetics (formerly Invitae), Labcorp).